The following is an entry in ClinVar:

NM_003334.4(UBA1):c.2621A>C (p.Asp874Ala)

Gene: UBA1 (ubiquitin like modifier activating enzyme 1; plus strand). Cytogenetic location: Xp11.3.
Variant type: single nucleotide variant.
Coding change: c.2621A>C on transcript NM_003334.4 (MANE Select); coding-DNA position 2621, A replaced by C.
Protein change: p.Asp874Ala; replaces aspartic acid 874 with alanine.
Molecular consequence: missense variant.
Genome position (GRCh38, 1-based): chrX:47,212,838, A>C. VCF-style: chrX-47212838-A-C. GRCh37 (hg19) VCF-style: chrX-47072237-A-C.
Other names: c.2621A>C, p.Asp874Ala (NM_153280.3); short protein forms D874A.
Identifiers: ClinVar variation 1913709 (VCV001913709.5), dbSNP rs2521657122, ClinGen allele CA412810012.

ClinVar aggregate classification (germline): Uncertain significance (1 of 4 stars; one submission).

Conditions:
Infantile-onset X-linked spinal muscular atrophy. Also called: ARTHROGRYPOSIS, X-LINKED, TYPE I; Spinal muscular atrophy, X-linked 2; AMC, DISTAL, X-LINKED; Spinal Muscular Atrophy, X-Linked Infantile; SPINAL MUSCULAR ATROPHY, X-LINKED LETHAL INFANTILE. Identifiers: Orphanet 1145, MedGen C1844934, MONDO:0010532, OMIM 301830.

gnomAD v4.1: 2 of 1,211,666 alleles (0.00017%); highest among the groups gnomAD compares: Non-Finnish European, 0.00022%; no homozygotes.

Submission:

Labcorp Genetics (formerly Invitae), Labcorp
Classification: Uncertain significance for Infantile-onset X-linked spinal muscular atrophy. Last evaluated: 2023-08-11. Review status: criteria provided, single submitter. Criteria: Invitae Variant Classification Sherloc (09022015). Collection method: clinical testing. Allele origin: germline.
Comment: An algorithm developed to predict the effect of missense changes on protein structure and function (PolyPhen-2) suggests that this variant is likely to be tolerated. In summary, the available evidence is currently insufficient to determine the role of this variant in disease. Therefore, it has been classified as a Variant of Uncertain Significance. ClinVar contains an entry for this variant (Variation ID: 1913709). This variant has not been reported in the literature in individuals affected with UBA1-related conditions. This variant is not present in population databases (gnomAD no frequency). This sequence change replaces aspartic acid, which is acidic and polar, with alanine, which is neutral and non-polar, at codon 874 of the UBA1 protein (p.Asp874Ala).